The following is an entry in ClinVar:

ClinVar aggregate classification (germline): Likely pathogenic. Review status: criteria provided, multiple submitters, no conflicts (2 of 4 stars). 2 submissions from 2 submitters: Likely pathogenic (2). Last evaluated 2024-10-01.

Conditions:
Charcot-Marie-Tooth Neuropathy X. Identifiers: MedGen CN118851.

Submissions (2):

Labcorp Genetics (formerly Invitae), Labcorp
Classification: Likely pathogenic for Charcot-Marie-Tooth Neuropathy X. Last evaluated: 2024-10-01. Review status: criteria provided, single submitter. Criteria: Invitae Variant Classification Sherloc (09022015). Collection method: clinical testing. Allele origin: germline.
Comment: This sequence change replaces valine, which is neutral and non-polar, with glutamic acid, which is acidic and polar, at codon 181 of the GJB1 protein (p.Val181Glu). This variant is not present in population databases (gnomAD no frequency). This missense change has been observed in individual(s) with Charcot-Marie-Tooth disease (internal data). ClinVar contains an entry for this variant (Variation ID: 234844). Invitae Evidence Modeling of protein sequence and biophysical properties (such as structural, functional, and spatial information, amino acid conservation, physicochemical variation, residue mobility, and thermodynamic stability) indicates that this missense variant is expected to disrupt GJB1 protein function with a positive predictive value of 80%. This variant disrupts the p.Val181 amino acid residue in GJB1. Other variant(s) that disrupt this residue have been determined to be pathogenic (PMID: 9361298, 17100997, 19259128, 21692908, 25947624). This suggests that this residue is clinically significant, and that variants that disrupt this residue are likely to be disease-causing. In summary, the currently available evidence indicates that the variant is pathogenic, but additional data are needed to prove that conclusively. Therefore, this variant has been classified as Likely Pathogenic.

GeneDx
Classification: Likely pathogenic. Last evaluated: 2021-04-08. Review status: criteria provided, single submitter. Criteria: GeneDx Variant Classification Process June 2021. Collection method: clinical testing. Allele origin: germline. Affected: yes.
Comment: Not observed in large population cohorts (Lek et al., 2016); Missense variants in this gene are often considered pathogenic (Stenson et al., 2014); In silico analysis supports that this missense variant has a deleterious effect on protein structure/function; Has not been previously published as pathogenic or benign to our knowledge

Literature cited by the submitters: PubMed 9361298 (cited by Labcorp Genetics (formerly Invitae), Labcorp); PubMed 17100997 (cited by Labcorp Genetics (formerly Invitae), Labcorp); PubMed 19259128 (cited by Labcorp Genetics (formerly Invitae), Labcorp); PubMed 21692908 (cited by Labcorp Genetics (formerly Invitae), Labcorp); PubMed 25947624 (cited by Labcorp Genetics (formerly Invitae), Labcorp).

NM_000166.6(GJB1):c.542T>A (p.Val181Glu)

Gene: GJB1 (gap junction protein beta 1; plus strand). Cytogenetic location: Xq13.1.
Variant type: single nucleotide variant.
Coding change: c.542T>A on transcript NM_000166.6 (MANE Select); coding-DNA position 542, T replaced by A.
Protein change: p.Val181Glu; replaces valine 181 with glutamic acid.
Molecular consequence: missense variant.
Genome position (GRCh38, 1-based): chrX:71,224,249, T>A. VCF-style: chrX-71224249-T-A. GRCh37 (hg19) VCF-style: chrX-70444099-T-A.
Other names: c.542T>A, p.Val181Glu (NM_001097642.3); short protein forms V181E.
Identifiers: ClinVar variation 234844 (VCV000234844.12), dbSNP rs876661252, ClinGen allele CA10577659.